The following is an entry in ClinVar:

NM_000088.4(COL1A1):c.3814G>T (p.Gly1272Ter)

Gene: COL1A1 (collagen type I alpha 1 chain; minus strand). Cytogenetic location: 17q21.33.
Variant type: single nucleotide variant.
Coding change: c.3814G>T on transcript NM_000088.4 (MANE Select); coding-DNA position 3814, G replaced by T.
Protein change: p.Gly1272Ter; replaces glycine 1272 with a stop codon.
Molecular consequence: nonsense.
Genome position (GRCh38, 1-based): chr17:50,186,640, C>A on the plus strand (G>T on the coding strand, the complement: COL1A1 is on the minus strand). VCF-style: chr17-50186640-C-A. GRCh37 (hg19) VCF-style: chr17-48264001-C-A.
Other names: short protein forms G1272*.
Identifiers: ClinVar variation 2706991 (VCV002706991.3), dbSNP rs2509162830, ClinGen allele CA400195852.

ClinVar aggregate classification (germline): Pathogenic (1 of 4 stars; one submission).

Conditions:
Osteogenesis imperfecta type I (OI1). Also called: Classic Non-deforming Osteogenesis Imperfecta with Blue Sclerae; OI, TYPE I; OSTEOGENESIS IMPERFECTA TARDA; OSTEOGENESIS IMPERFECTA WITH BLUE SCLERAE; Osteogenesis imperfecta type 1; Lobstein's Disease. Identifiers: Orphanet 216796, Orphanet 666, MedGen C0023931, MONDO:0008146, OMIM 166200. Disease mechanism: loss of function.

Submission:

Labcorp Genetics (formerly Invitae), Labcorp
Classification: Pathogenic for Osteogenesis imperfecta type I. Last evaluated: 2023-09-05. Review status: criteria provided, single submitter. Criteria: Invitae Variant Classification Sherloc (09022015). Collection method: clinical testing. Allele origin: germline.
Comment: For these reasons, this variant has been classified as Pathogenic. This variant has not been reported in the literature in individuals affected with COL1A1-related conditions. This variant is not present in population databases (gnomAD no frequency). This sequence change creates a premature translational stop signal (p.Gly1272*) in the COL1A1 gene. It is expected to result in an absent or disrupted protein product. Loss-of-function variants in COL1A1 are known to be pathogenic (PMID: 7942841, 9295084, 9443882).

Literature cited by the submitters: PubMed 7942841; PubMed 9295084; PubMed 9443882.